The following is an entry in ClinVar:

ClinVar aggregate classification (germline): Uncertain significance (1 of 4 stars; one submission).

Allele frequency attached by ClinVar (database versions not stated): TOPMed below 0.00001; gnomAD 0.00001; gnomAD exomes 0.00001; ExAC 0.00002.
gnomAD v4.1: 13 of 1,612,106 alleles (0.00081%); highest among the groups gnomAD compares: Admixed American, 0.0017%; no homozygotes.

Submission:

Labcorp Genetics (formerly Invitae), Labcorp
Classification: Uncertain significance. Last evaluated: 2022-03-11. Review status: criteria provided, single submitter. Criteria: Invitae Variant Classification Sherloc (09022015). Collection method: clinical testing. Allele origin: germline.
Comment: This variant is present in population databases (rs758878911, gnomAD 0.004%). This sequence change falls in intron 6 of the MTHFD1 gene. It does not directly change the encoded amino acid sequence of the MTHFD1 protein. In summary, the available evidence is currently insufficient to determine the role of this variant in disease. Therefore, it has been classified as a Variant of Uncertain Significance. Algorithms developed to predict the effect of sequence changes on RNA splicing suggest that this variant may disrupt the consensus splice site. This variant has not been reported in the literature in individuals affected with MTHFD1-related conditions.

NM_005956.4(MTHFD1):c.479-18G>A

Gene: MTHFD1 (methylenetetrahydrofolate dehydrogenase, cyclohydrolase and formyltetrahydrofolate synthetase 1; plus strand). Cytogenetic location: 14q23.3.
Variant type: single nucleotide variant.
Coding change: c.479-18G>A on transcript NM_005956.4 (MANE Select); 18 bases into the intron before coding-DNA position 479, G replaced by A.
Molecular consequence: intron variant.
Genome position (GRCh38, 1-based): chr14:64,417,870, G>A. VCF-style: chr14-64417870-G-A. GRCh37 (hg19) VCF-style: chr14-64884588-G-A.
Other names: c.479-18G>A (NM_001364837.1).
Identifiers: ClinVar variation 1956332 (VCV001956332.5), dbSNP rs758878911, ClinGen allele CA7225951.